The following is an entry in ClinVar:

NM_023036.6(DNAI2):c.788G>A (p.Arg263Gln)

Gene: DNAI2 (dynein axonemal intermediate chain 2; plus strand). Cytogenetic location: 17q25.1.
Variant type: single nucleotide variant.
Coding change: c.788G>A on transcript NM_023036.6 (MANE Select); coding-DNA position 788, G replaced by A.
Protein change: p.Arg263Gln; replaces arginine 263 with glutamine.
Molecular consequence: missense variant. On other transcripts: non-coding transcript variant (1).
Genome position (GRCh38, 1-based): chr17:74,299,781, G>A. VCF-style: chr17-74299781-G-A. GRCh37 (hg19) VCF-style: chr17-72295920-G-A.
Other names: c.788G>A, p.Arg263Gln (NM_001172810.3, NM_001353167.2); short protein forms R263Q.
Identifiers: ClinVar variation 408967 (VCV000408967.11), dbSNP rs768312326, ClinGen allele CA8745492.

ClinVar aggregate classification (germline): Uncertain significance. Review status: criteria provided, multiple submitters, no conflicts (2 of 4 stars). 3 submissions from 3 submitters: Uncertain significance (2). 1 of the submissions does not count toward it. Last evaluated 2026-03-19.

Conditions:
Primary ciliary dyskinesia. Also called: Ciliary dyskinesia. Identifiers: Orphanet 244, MedGen C0008780, MONDO:0016575, HP:0012265.
Primary ciliary dyskinesia 9. Also called: CILIARY DYSKINESIA, PRIMARY, 9, WITH OR WITHOUT SITUS INVERSUS. Identifiers: Orphanet 244, MedGen C2676235, MONDO:0012906, OMIM 612444.

Allele frequency attached by ClinVar (database versions not stated): ExAC 0.00002; gnomAD 0.00002; gnomAD exomes 0.00002; TOPMed 0.00004.

Submissions (3):

Myriad Genetics, Inc.
Classification: Uncertain significance for Primary ciliary dyskinesia 9. Last evaluated: 2026-03-19. Review status: criteria provided, single submitter. Criteria: Myriad Autosomal Dominant, Autosomal Recessive and X-Linked Classification Criteria (2023). Collection method: clinical testing. Allele origin: unknown.
Comment: NM_023036.4(DNAI2):c.788G>A(R263Q) is a missense variant classified as a variant of uncertain significance in the context of primary ciliary dyskinesia, DNAI2-related. R263Q has not been observed in cases with relevant disease. Relevant functional assessments of this variant are not available in the literature. R263Q has been observed in referenced population frequency databases. In summary, there is insufficient evidence to classify NM_023036.4(DNAI2):c.788G>A(R263Q) as pathogenic or benign. Please note: this variant was assessed in the context of healthy population screening.

Labcorp Genetics (formerly Invitae), Labcorp
Classification: Uncertain significance for Primary ciliary dyskinesia. Last evaluated: 2021-08-27. Review status: criteria provided, single submitter. Criteria: Invitae Variant Classification Sherloc (09022015). Collection method: clinical testing. Allele origin: germline.
Comment: This sequence change replaces arginine with glutamine at codon 263 of the DNAI2 protein (p.Arg263Gln). The arginine residue is highly conserved and there is a small physicochemical difference between arginine and glutamine. This variant is present in population databases (rs768312326, ExAC 0.02%). This variant has not been reported in the literature in individuals affected with DNAI2-related conditions. Algorithms developed to predict the effect of missense changes on protein structure and function are either unavailable or do not agree on the potential impact of this missense change (SIFT: "Deleterious"; PolyPhen-2: "Possibly Damaging"; Align-GVGD: "Class C0"). In summary, the available evidence is currently insufficient to determine the role of this variant in disease. Therefore, it has been classified as a Variant of Uncertain Significance.

Natera, Inc.
Classification: Uncertain significance for Primary ciliary dyskinesia. Last evaluated: 2020-02-26. Review status: no assertion criteria provided. Collection method: clinical testing. Allele origin: germline. Not counted in ClinVar's aggregate classification.